The following is an entry in ClinVar:

ClinVar aggregate classification (germline): Uncertain significance (1 of 4 stars; one submission).

Conditions:
Familial cold autoinflammatory syndrome 3 (FCAS3). Also called: FAMILIAL ATYPICAL COLD URTICARIA; ANTIBODY DEFICIENCY AND IMMUNE DYSREGULATION, PLCG2-ASSOCIATED. Identifiers: Orphanet 300359, MedGen C3280914, MONDO:0013766, OMIM 614468.

gnomAD v4.1: 1 of 1,611,776 alleles (0.000062%); highest among the groups gnomAD compares: African/African-American, 0.0013%; no homozygotes.

Submission:

Labcorp Genetics (formerly Invitae), Labcorp
Classification: Uncertain significance for Familial cold autoinflammatory syndrome 3. Last evaluated: 2024-08-17. Review status: criteria provided, single submitter. Criteria: Invitae Variant Classification Sherloc (09022015). Collection method: clinical testing. Allele origin: germline.
Comment: This sequence change replaces aspartic acid, which is acidic and polar, with glycine, which is neutral and non-polar, at codon 313 of the PLCG2 protein (p.Asp313Gly). This variant is not present in population databases (gnomAD no frequency). This variant has not been reported in the literature in individuals affected with PLCG2-related conditions. An algorithm developed to predict the effect of missense changes on protein structure and function (PolyPhen-2) suggests that this variant is likely to be disruptive. In summary, the available evidence is currently insufficient to determine the role of this variant in disease. Therefore, it has been classified as a Variant of Uncertain Significance.

NM_002661.5(PLCG2):c.938A>G (p.Asp313Gly)

Gene: PLCG2 (phospholipase C gamma 2; plus strand). Cytogenetic location: 16q23.3.
Variant type: single nucleotide variant.
Coding change: c.938A>G on transcript NM_002661.5 (MANE Select); coding-DNA position 938, A replaced by G.
Protein change: p.Asp313Gly; replaces aspartic acid 313 with glycine.
Molecular consequence: missense variant.
Genome position (GRCh38, 1-based): chr16:81,891,542, A>G. VCF-style: chr16-81891542-A-G. GRCh37 (hg19) VCF-style: chr16-81925147-A-G.
Other names: c.938A>G, p.Asp313Gly (NM_001425749.1, NM_001425750.1, NM_001425751.1); short protein forms D313G.
Identifiers: ClinVar variation 3696451 (VCV003696451.2).